The following is an entry in ClinVar:

ClinVar aggregate classification (germline): Uncertain significance (1 of 4 stars; one submission).

Conditions:
Ehlers-Danlos syndrome due to tenascin-X deficiency (EDSCLL1). Also called: EDS DUE TO TNX DEFICIENCY; TNX DEFICIENCY; EHLERS-DANLOS SYNDROME, CLASSIC-LIKE; Ehlers-Danlos syndrome, classic-like, 1; TNXB-Related Classical-Like Ehlers-Danlos Syndrome. Identifiers: Orphanet 230839, MedGen C1848029, MONDO:0011670, OMIM 606408.

gnomAD v4.1: 1 of 1,565,834 alleles (0.000064%); highest among the groups gnomAD compares: Non-Finnish European, 0.000087%; no homozygotes.

Submission:

Mayo Clinic Laboratories, Mayo Clinic
Classification: Uncertain significance. Last evaluated: 2024-03-01. Review status: criteria provided, single submitter. Criteria: ACMG Guidelines, 2015. Collection method: clinical testing. Allele origin: germline. Observed: 1 variant allele.
Comment: BP4, PM2

NM_001365276.2(TNXB):c.12062G>A (p.Gly4021Glu)

Genes: TNXB (tenascin XB; minus strand), LOC106780803 (tenascin XB recombination region; plus strand). Cytogenetic location: 6p21.33.
Variant type: single nucleotide variant.
Coding change: c.12062G>A on transcript NM_001365276.2 (MANE Select); coding-DNA position 12062, G replaced by A.
Protein change: p.Gly4021Glu; replaces glycine 4021 with glutamic acid.
Molecular consequence: missense variant.
Genome position (GRCh38, 1-based): chr6:32,042,603, C>T on the plus strand (G>A on the coding strand, the complement: TNXB is on the minus strand). VCF-style: chr6-32042603-C-T. GRCh37 (hg19) VCF-style: chr6-32010380-C-T.
Other names: p.Gly4019Glu; c.12803G>A, p.Gly4268Glu (NM_001428335.1); c.12056G>A, p.Gly4019Glu (NM_019105.8); c.1349G>A, p.Gly450Glu (NM_032470.4); short protein forms G4019E, G4021E, G4268E, G450E.
Identifiers: ClinVar variation 3379656 (VCV003379656.2).